The following is an entry in ClinVar:

NM_001042492.3(NF1):c.5108G>T (p.Ser1703Ile)

Gene: NF1 (neurofibromin 1; plus strand). Cytogenetic location: 17q11.2.
Variant type: single nucleotide variant.
Coding change: c.5108G>T on transcript NM_001042492.3 (MANE Select); coding-DNA position 5108, G replaced by T.
Protein change: p.Ser1703Ile; replaces serine 1703 with isoleucine.
Molecular consequence: missense variant.
Genome position (GRCh38, 1-based): chr17:31,326,092, G>T. VCF-style: chr17-31326092-G-T. GRCh37 (hg19) VCF-style: chr17-29653110-G-T.
Other names: c.5045G>T, p.Ser1682Ile (NM_000267.4); short protein forms S1682I, S1703I.
Identifiers: ClinVar variation 3879140 (VCV003879140.1).

ClinVar aggregate classification (germline): Uncertain significance (1 of 4 stars; one submission).

Conditions:
Cardiovascular phenotype. Identifiers: MedGen CN230736.
Hereditary cancer-predisposing syndrome. Also called: Tumor predisposition; Neoplastic Syndromes, Hereditary; Hereditary Cancer Syndrome; Hereditary neoplastic syndrome. Identifiers: Orphanet 140162, MedGen C0027672, MeSH D009386, MONDO:0015356.

Submission:

Ambry Genetics
Classification: Uncertain significance for Cardiovascular phenotype; Hereditary cancer-predisposing syndrome. Last evaluated: 2025-02-28. Review status: criteria provided, single submitter. Criteria: Ambry Variant Classification Scheme 2023. Collection method: clinical testing. Allele origin: germline.
Comment: The p.S1682I variant (also known as c.5045G>T), located in coding exon 36 of the NF1 gene, results from a G to T substitution at nucleotide position 5045. The serine at codon 1682 is replaced by isoleucine, an amino acid with dissimilar properties. This amino acid position is conserved. In addition, this alteration is predicted to be deleterious by in silico analysis. Based on the available evidence, the clinical significance of this variant remains unclear.